The following is an entry in ClinVar:

NM_007294.4(BRCA1):c.3665_3666del (p.Glu1222fs)

Genes: BRCA1 (BRCA1 DNA repair associated; minus strand), LOC126862571 (BRD4-independent group 4 enhancer GRCh37_chr17:41243136-41244335; plus strand). Cytogenetic location: 17q21.31.
Variant type: Microsatellite.
Coding change: c.3665_3666del on transcript NM_007294.4 (MANE Select); coding-DNA positions 3665 to 3666, 2 bases deleted (AG; older notation c.3665_3666delAG).
Protein change: p.Glu1222fs; shifts the reading frame from glutamic acid 1222.
Molecular consequence: frameshift variant. On other transcripts: intron variant (135).
Genome position (GRCh38, 1-based): chr17:43,091,865-43,091,866, CT deleted on the plus strand (AG on the coding strand, the reverse complement: BRCA1 is on the minus strand); deleting any 2 consecutive bases within chr17:43,091,865-43,091,868 gives the same sequence; the c. name uses the placement nearest the transcript's 3' end. VCF-style (leftmost placement, unchanged base first): chr17-43091864-GCT-G. GRCh37 (hg19) VCF-style: chr17-41243881-GCT-G.
Other names: c.3665_3666delAG (NM_007294.3); c.3452_3453del, p.Glu1151fs (NM_001407917.1, NM_001407918.1, NM_001407571.1 and 9 more transcripts); c.3542_3543del, p.Glu1181fs (NM_001407919.1, NM_001407937.1, NM_001407938.1 and 19 more transcripts); c.3401_3402del, p.Glu1134fs (NM_001407920.1, NM_001407921.1, NM_001407922.1 and 9 more transcripts); c.3398_3399del, p.Glu1133fs (NM_001407930.1, NM_001407931.1, NM_001407932.1 and 2 more transcripts); c.3539_3540del, p.Glu1180fs (NM_001407940.1, NM_001407941.1, NM_001407649.1 and 11 more transcripts); c.3524_3525del, p.Glu1175fs (NM_001407942.1, NM_001407944.1, NM_001407945.1 and 29 more transcripts); c.3521_3522del, p.Glu1174fs (NM_001407943.1, NM_001407964.1, NM_001407740.1 and 20 more transcripts); and 42 more; short protein forms E1222fs, E1175fs, E1110fs, E1133fs, E1134fs, E1152fs, E1174fs, E1196fs.
Identifiers: ClinVar variation 548246 (VCV000548246.2), dbSNP rs1555587316, ClinGen allele CA658823960.

ClinVar aggregate classification (germline): Pathogenic (3 of 4 stars; one submission).

Conditions:
Breast-ovarian cancer, familial, susceptibility to, 1 (BROVCA1). Also called: BRCA1 Hereditary Breast and Ovarian Cancer; OVARIAN CANCER, SUSCEPTIBILITY TO. Identifiers: Orphanet 145, MedGen C2676676, MONDO:0011450, OMIM 604370. Disease mechanism: loss of function.

Submission:

Evidence-based Network for the Interpretation of Germline Mutant Alleles (ENIGMA)
Classification: Pathogenic for Breast-ovarian cancer, familial, susceptibility to, 1. Last evaluated: 2017-12-15. Review status: reviewed by expert panel. Criteria: ENIGMA BRCA1/2 Classification Criteria (2017-06-29). Collection method: curation. Allele origin: germline. Study: ENIGMA.
Comment: Variant allele predicted to encode a truncated non-functional protein.